The following is an entry in ClinVar:

NM_002971.6(SATB1):c.752-3T>C

Gene: SATB1 (SATB homeobox 1; minus strand). Cytogenetic location: 3p24.3.
Variant type: single nucleotide variant.
Coding change: c.752-3T>C on transcript NM_002971.6 (MANE Select); 3 bases into the intron before coding-DNA position 752, T replaced by C.
Molecular consequence: intron variant.
Genome position (GRCh38, 1-based): chr3:18,394,919, A>G on the plus strand (T>C on the coding strand, the complement: SATB1 is on the minus strand). VCF-style: chr3-18394919-A-G. GRCh37 (hg19) VCF-style: chr3-18436411-A-G.
Other names: c.752-3T>C (NM_001322874.2, NM_001322872.2, NM_001322873.2 and 4 more transcripts); c.536-3T>C (NM_001322876.2).
Identifiers: ClinVar variation 3950229 (VCV003950229.1).

ClinVar aggregate classification (germline): Uncertain significance (1 of 4 stars; one submission).

Conditions:
Inborn genetic diseases. Identifiers: MedGen C0950123, MeSH D030342.

Submission:

Ambry Genetics
Classification: Uncertain significance for Inborn genetic diseases. Last evaluated: 2025-05-02. Review status: criteria provided, single submitter. Criteria: Ambry Variant Classification Scheme 2023. Collection method: clinical testing. Allele origin: germline.
Comment: The c.752-3T>C intronic alteration results from a T to C substitution 3 nucleotides before exon 7 (coding exon 6) of the SATB1 gene. This variant was not reported in population-based cohorts in the Genome Aggregation Database (gnomAD). This nucleotide position is not well conserved in available vertebrate species. In silico splice site analysis predicts that this alteration will not have any significant effect on splicing. Based on insufficient or conflicting evidence, the clinical significance of this alteration remains unclear.